The following is an entry in ClinVar:

NM_001035.3(RYR2):c.13042dup (p.Glu4348fs)

Genes: RYR2 (ryanodine receptor 2; plus strand), LOC126806068 (BRD4-independent group 4 enhancer GRCh37_chr1:237947411-237948610; plus strand). Cytogenetic location: 1q43.
Variant type: Duplication.
Coding change: c.13042dup on transcript NM_001035.3 (MANE Select); coding-DNA position 13042, one base duplicated (G; older notation c.13042dupG).
Protein change: p.Glu4348fs; shifts the reading frame from glutamic acid 4348.
Molecular consequence: frameshift variant.
Genome position (GRCh38, 1-based): chr1:237,784,754, G duplicated; the last of 2 consecutive G bases (chr1:237,784,753-237,784,754); duplicating either gives the same sequence. VCF-style (leftmost placement, unchanged base first): chr1-237784752-A-AG. GRCh37 (hg19) VCF-style: chr1-237948052-A-AG.
Other names: short protein forms E4348fs.
Identifiers: ClinVar variation 4728908 (VCV004728908.1).

ClinVar aggregate classification (germline): Uncertain significance (1 of 4 stars; one submission).

Conditions:
Catecholaminergic polymorphic ventricular tachycardia 1. Also called: VENTRICULAR TACHYCARDIA, CATECHOLAMINERGIC POLYMORPHIC, 1, WITH OR WITHOUT ATRIAL DYSFUNCTION AND/OR DILATED CARDIOMYOPATHY; RYR2-Related Catecholaminergic Polymorphic Ventricular Tachycardia; VENTRICULAR TACHYCARDIA, STRESS-INDUCED POLYMORPHIC 1. Identifiers: Orphanet 3286, MedGen C1631597, MONDO:0011484, OMIM 604772.

Submission:

Labcorp Genetics (formerly Invitae), Labcorp
Classification: Uncertain significance for Catecholaminergic polymorphic ventricular tachycardia 1. Last evaluated: 2025-10-10. Review status: criteria provided, single submitter. Criteria: Invitae Variant Classification Sherloc (09022015). Collection method: clinical testing. Allele origin: germline.
Comment: This sequence change creates a premature translational stop signal (p.Glu4348Glyfs*27) in the RYR2 gene. It is expected to result in an absent or disrupted protein product. However, the current clinical and genetic evidence is not sufficient to establish whether loss-of-function variants in RYR2 cause disease. This variant is not present in population databases (gnomAD no frequency). This variant has not been reported in the literature in individuals affected with RYR2-related conditions. In summary, the available evidence is currently insufficient to determine the role of this variant in disease. Therefore, it has been classified as a Variant of Uncertain Significance.